The following is an entry in ClinVar:

NC_000023.10:g.(12157132_12516798)_(12704324_12708313)del

Gene: FRMPD4 (FERM and PDZ domain containing 4; plus strand). Cytogenetic location: Xp22.2.
Variant type: Deletion.
Identifiers: ClinVar variation 3895974 (VCV003895974.1).

ClinVar aggregate classification (germline): Pathogenic (1 of 4 stars; one submission).

Conditions:
Intellectual developmental disorder, X-linked 104. Also called: Intellectual disability, X-linked 104. Identifiers: MedGen C4310817, MONDO:0010509, OMIM 300983.

Submission:

Women's Health and Genetics/Laboratory Corporation of America, LabCorp
Classification: Pathogenic for Intellectual developmental disorder, X-linked 104. Last evaluated: 2025-03-25. Review status: criteria provided, single submitter. Criteria: LabCorp Variant Classification Summary - May 2015. Collection method: clinical testing. Allele origin: germline.
Comment: Variant summary: The variant involves the deletion of exons 2-7 in the FRMPD4 gene. A presumed nomenclature of c.(41+1_42-1)_(681+1_682-1)del has been designated for the purposes of this classification. This Copy Number Variant (CNV) is expected to alter the reading frame and predicted to result in a truncation or absence of the encoded protein due to nonsense mediated decay (NMD). The variant was absent in 16120 control chromosomes (gnomAD, structural variants dataset). To our knowledge, no occurrence of c.(41+1_42-1)_(681+1_682-1)del in individuals affected with X-Linked Intellectual Disability 104 and no experimental evidence demonstrating its impact on protein function have been reported. No submitters have cited clinical-significance assessments for this variant to ClinVar. Based on the evidence outlined above, the variant was classified as pathogenic.